The following is an entry in ClinVar:

ClinVar aggregate classification (germline): Likely benign. Review status: criteria provided, multiple submitters, no conflicts (2 of 4 stars). 3 submissions from 3 submitters: Likely benign (2). 1 of the submissions does not count toward it. Last evaluated 2026-09-01.

Conditions:
SBF1-related disorder. Also called: SBF1-related condition.

Allele frequency attached by ClinVar (database versions not stated): gnomAD 0.00001; gnomAD exomes 0.00002 and 0.00004; ExAC 0.00004; TOPMed 0.00002.
gnomAD v4.1: 34 of 1,613,874 alleles (0.0021%); highest among the groups gnomAD compares: South Asian, 0.011%; no homozygotes.

Submissions (3):

CeGaT Center for Human Genetics Tuebingen
Classification: Likely benign. Last evaluated: 2026-09-01. Review status: criteria provided, single submitter. Criteria: CeGaT Center For Human Genetics Tuebingen Variant Classification Criteria Version 2. Collection method: clinical testing. Allele origin: germline. Affected: yes. Observed: 1 variant allele.
Comment: SBF1: BP4, BP7

Labcorp Genetics (formerly Invitae), Labcorp
Classification: Likely benign. Last evaluated: 2025-06-11. Review status: criteria provided, single submitter. Criteria: Invitae Variant Classification Sherloc (09022015). Collection method: clinical testing. Allele origin: germline.

PreventionGenetics, part of Exact Sciences
Classification: Likely benign for SBF1-related condition. Last evaluated: 2019-03-13. Review status: no assertion criteria provided. Collection method: clinical testing. Allele origin: germline. Not counted in ClinVar's aggregate classification.
Comment: This variant is classified as likely benign based on ACMG/AMP sequence variant interpretation guidelines (Richards et al. 2015 PMID: 25741868, with internal and published modifications).

NM_002972.4(SBF1):c.5565C>T (p.Asp1855=)

Gene: SBF1 (SET binding factor 1; minus strand). Cytogenetic location: 22q13.33.
Variant type: single nucleotide variant.
Coding change: c.5565C>T on transcript NM_002972.4 (MANE Select); coding-DNA position 5565, C replaced by T.
Protein change: p.Asp1855=; no amino-acid change (aspartic acid 1855 retained).
Molecular consequence: synonymous variant.
Genome position (GRCh38, 1-based): chr22:50,447,340, G>A on the plus strand (C>T on the coding strand, the complement: SBF1 is on the minus strand). VCF-style: chr22-50447340-G-A. GRCh37 (hg19) VCF-style: chr22-50885769-G-A.
Other names: c.5565C>T (NM_002972.3); c.5490C>T, p.Asp1830= (NM_001365819.1).
Identifiers: ClinVar variation 1545734 (VCV001545734.11), dbSNP rs201685920, ClinGen allele CA10315790.